The following is an entry in ClinVar:

ClinVar aggregate classification (germline): Likely pathogenic (1 of 4 stars; one submission).

Allele frequency attached by ClinVar (database versions not stated): gnomAD exomes below 0.00001; ExAC 0.00001; gnomAD 0.00001.
gnomAD v4.1: 2 of 1,613,684 alleles (0.00012%); highest among the groups gnomAD compares: Non-Finnish European, 0.00017%; no homozygotes.

Submission:

Labcorp Genetics (formerly Invitae), Labcorp
Classification: Likely pathogenic. Last evaluated: 2024-10-29. Review status: criteria provided, single submitter. Criteria: Invitae Variant Classification Sherloc (09022015). Collection method: clinical testing. Allele origin: germline.
Comment: This sequence change affects an acceptor splice site in intron 7 of the TRPM1 gene. It is expected to disrupt RNA splicing. Variants that disrupt the donor or acceptor splice site typically lead to a loss of protein function (PMID: 16199547), and loss-of-function variants in TRPM1 are known to be pathogenic (PMID: 19896113, 19966281, 20300565). This variant is present in population databases (rs760338602, gnomAD 0.0009%). This variant has not been reported in the literature in individuals affected with TRPM1-related conditions. Algorithms developed to predict the effect of sequence changes on RNA splicing suggest that this variant may disrupt the consensus splice site. In summary, the currently available evidence indicates that the variant is pathogenic, but additional data are needed to prove that conclusively. Therefore, this variant has been classified as Likely Pathogenic.

Literature cited by the submitters: PubMed 16199547; PubMed 19896113; PubMed 19966281; PubMed 20300565.

NM_001252024.2(TRPM1):c.966-1G>A

Gene: TRPM1 (transient receptor potential cation channel subfamily M member 1; minus strand). Cytogenetic location: 15q13.3.
Variant type: single nucleotide variant.
Coding change: c.966-1G>A on transcript NM_001252024.2 (MANE Select); the canonical splice acceptor site of the intron before coding-DNA position 966, G replaced by A.
Molecular consequence: splice acceptor variant.
Genome position (GRCh38, 1-based): chr15:31,062,703, C>T on the plus strand (G>A on the coding strand, the complement: TRPM1 is on the minus strand). VCF-style: chr15-31062703-C-T. GRCh37 (hg19) VCF-style: chr15-31354906-C-T.
Other names: c.1017-1G>A (NM_001252020.2); c.900-1G>A (NM_002420.6).
Identifiers: ClinVar variation 2806915 (VCV002806915.3), dbSNP rs760338602, ClinGen allele CA7452728.